The following is an entry in ClinVar:

NM_003823.4(TNFRSF6B):c.182C>T (p.Pro61Leu)

Genes: RTEL1-TNFRSF6B (RTEL1-TNFRSF6B readthrough (NMD candidate); plus strand), TNFRSF6B (TNF receptor superfamily member 6b; plus strand). Cytogenetic location: 20q13.33.
Variant type: single nucleotide variant.
Coding change: c.182C>T on transcript NM_003823.4 (MANE Select); coding-DNA position 182, C replaced by T.
Protein change: p.Pro61Leu; replaces proline 61 with leucine.
Molecular consequence: missense variant. On other transcripts: non-coding transcript variant (1).
Genome position (GRCh38, 1-based): chr20:63,696,949, C>T. VCF-style: chr20-63696949-C-T. GRCh37 (hg19) VCF-style: chr20-62328302-C-T.
Other names: short protein forms P61L.
Identifiers: ClinVar variation 1417528 (VCV001417528.8), dbSNP rs1415609067, ClinGen allele CA409710917.
Genomic context (GRCh38, chr20:63,696,949, plus strand): 5'-CAGAGACAGGGGAGCGGCTGGTGTGCGCCCAGTGCCCCCCAGGCACCTTTGTGCAGCGGC[C>T]GTGCCGCCGAGACAGCCCCACGACGTGTGGCCCGTGTCCACCGCGCCACTACACGCAGTT-3'
Protein context (NP_003814.1, residues 51-71): QCPPGTFVQR[Pro61Leu]CRRDSPTTCG

ClinVar aggregate classification (germline): Uncertain significance (1 of 4 stars; one submission).

Allele frequency attached by ClinVar (database versions not stated): gnomAD exomes below 0.00001 and 0.00001; TOPMed below 0.00001; gnomAD 0.00001.
gnomAD v4.1: 10 of 1,605,340 alleles (0.00062%); highest among the groups gnomAD compares: South Asian, 0.0033%; no homozygotes.

Submission:

Labcorp Genetics (formerly Invitae), Labcorp
Classification: Uncertain significance. Last evaluated: 2026-01-20. Review status: criteria provided, single submitter. Criteria: Invitae Variant Classification Sherloc (09022015). Collection method: clinical testing. Allele origin: germline.
Comment: This sequence change replaces proline, which is neutral and non-polar, with leucine, which is neutral and non-polar, at codon 61 of the TNFRSF6B protein (p.Pro61Leu). The frequency data for this variant in the population databases is considered unreliable, as metrics indicate poor data quality at this position in the gnomAD database. This variant has not been reported in the literature in individuals affected with TNFRSF6B-related conditions. ClinVar contains an entry for this variant (Variation ID: 1417528). An algorithm developed to predict the effect of missense changes on protein structure and function (PolyPhen-2) suggests that this variant is likely to be disruptive. In summary, the available evidence is currently insufficient to determine the role of this variant in disease. Therefore, it has been classified as a Variant of Uncertain Significance.